The following is an entry in ClinVar:

ClinVar aggregate classification (germline): Uncertain significance (1 of 4 stars; one submission).

Submissions (2):

GeneDx
Classification: Uncertain significance. Last evaluated: 2022-06-28. Review status: criteria provided, single submitter. Criteria: GeneDx Variant Classification Process June 2021. Collection method: clinical testing. Allele origin: germline. Affected: yes.
Comment: Not observed at significant frequency in large population cohorts (gnomAD); In silico analysis supports a deleterious effect on splicing; Has not been previously published as pathogenic or benign to our knowledge

Dr. Peter K. Rogan Lab, Western University
No classification provided (evidence only). Condition: Nonpapillary renal cell carcinoma. Review status: no classification provided. Collection method: in vitro. Allele origin: not applicable. Functional consequence: retained intron. Not counted in ClinVar's aggregate classification.

NM_000240.4(MAOA):c.411G>A (p.Glu137=)

Gene: MAOA (monoamine oxidase A; plus strand). Cytogenetic location: Xp11.3.
Variant type: single nucleotide variant.
Coding change: c.411G>A on transcript NM_000240.4 (MANE Select); coding-DNA position 411, G replaced by A.
Protein change: p.Glu137=; no amino-acid change (glutamic acid 137 retained).
Molecular consequence: synonymous variant.
Genome position (GRCh38, 1-based): chrX:43,711,976, G>A. VCF-style: chrX-43711976-G-A. GRCh37 (hg19) VCF-style: chrX-43571223-G-A.
Other names: NC_000023.10:g.43571223G>A; c.12G>A, p.Glu4= (NM_001270458.2).
Identifiers: ClinVar variation 1810092 (VCV001810092.2), dbSNP rs2519144831, ClinGen allele CA516137456.